The following is an entry in ClinVar:

NM_003183.6(ADAM17):c.2284A>T (p.Ile762Phe)

Genes: ADAM17 (ADAM metallopeptidase domain 17; minus strand), IAH1 (isoamyl acetate hydrolyzing esterase 1 (putative); plus strand). Cytogenetic location: 2p25.1.
Variant type: single nucleotide variant.
Coding change: c.2284A>T on transcript NM_003183.6 (MANE Select); coding-DNA position 2284, A replaced by T.
Protein change: p.Ile762Phe; replaces isoleucine 762 with phenylalanine.
Molecular consequence: missense variant.
Genome position (GRCh38, 1-based): chr2:9,490,368, T>A on the plus strand (A>T on the coding strand, the complement: ADAM17 is on the minus strand). VCF-style: chr2-9490368-T-A. GRCh37 (hg19) VCF-style: chr2-9630497-T-A.
Other names: short protein forms I762F.
Identifiers: ClinVar variation 862911 (VCV000862911.8), dbSNP rs1558489720, ClinGen allele CA345794562.

ClinVar aggregate classification (germline): Uncertain significance. Review status: criteria provided, multiple submitters, no conflicts (2 of 4 stars). 2 submissions from 2 submitters: Uncertain significance (2). Last evaluated 2022-07-25.

Conditions:
Inflammatory skin and bowel disease, neonatal, 1. Identifiers: Orphanet 294023, MedGen C3280501, MONDO:0013693, OMIM 614328.

Allele frequency attached by ClinVar (database versions not stated): gnomAD exomes below 0.00001.
gnomAD v4.1: 6 of 1,614,164 alleles (0.00037%); highest among the groups gnomAD compares: Middle Eastern, 0.033%; no homozygotes.

Submissions (2):

Labcorp Genetics (formerly Invitae), Labcorp
Classification: Uncertain significance for Inflammatory skin and bowel disease, neonatal, 1. Last evaluated: 2022-07-25. Review status: criteria provided, single submitter. Criteria: Invitae Variant Classification Sherloc (09022015). Collection method: clinical testing. Allele origin: germline.
Comment: In summary, the available evidence is currently insufficient to determine the role of this variant in disease. Therefore, it has been classified as a Variant of Uncertain Significance. Algorithms developed to predict the effect of missense changes on protein structure and function are either unavailable or do not agree on the potential impact of this missense change (SIFT: "Not Available"; PolyPhen-2: "Probably Damaging"; Align-GVGD: "Not Available"). ClinVar contains an entry for this variant (Variation ID: 862911). This variant has not been reported in the literature in individuals affected with ADAM17-related conditions. This variant is not present in population databases (gnomAD no frequency). This sequence change replaces isoleucine, which is neutral and non-polar, with phenylalanine, which is neutral and non-polar, at codon 762 of the ADAM17 protein (p.Ile762Phe).

Blueprint Genetics
Classification: Uncertain significance. Last evaluated: 2020-10-27. Review status: criteria provided, single submitter. Criteria: ACMG Guidelines, 2015. Collection method: clinical testing. Allele origin: germline.